The following is an entry in ClinVar:

NM_000138.5(FBN1):c.7492T>G (p.Phe2498Val)

Gene: FBN1 (fibrillin 1; minus strand). Cytogenetic location: 15q21.1.
Variant type: single nucleotide variant.
Coding change: c.7492T>G on transcript NM_000138.5 (MANE Select); coding-DNA position 7492, T replaced by G.
Protein change: p.Phe2498Val; replaces phenylalanine 2498 with valine.
Molecular consequence: missense variant.
Genome position (GRCh38, 1-based): chr15:48,422,030, A>C on the plus strand (T>G on the coding strand, the complement: FBN1 is on the minus strand). VCF-style: chr15-48422030-A-C. GRCh37 (hg19) VCF-style: chr15-48714227-A-C.
Other names: c.7492T>G, p.Phe2498Val (NM_001406716.1); short protein forms F2498V.
Identifiers: ClinVar variation 2951340 (VCV002951340.3), dbSNP rs2505399741, ClinGen allele CA392326054.

ClinVar aggregate classification (germline): Uncertain significance (1 of 4 stars; one submission).

Conditions:
Marfan syndrome (MFS). Also called: MARFAN SYNDROME, TYPE I; Marfan syndrome type 1; Marfan's syndrome; Marfan syndrome, classic; FBN1-Related Marfan Syndrome. Identifiers: Orphanet 284963, Orphanet 558, MedGen C0024796, MONDO:0007947, OMIM 154700.
Familial thoracic aortic aneurysm and aortic dissection (TAAD). Also called: Thoracic aortic aneurysms and dissections. Identifiers: Orphanet 91387, MedGen C4707243, MONDO:0019625.

Submission:

Labcorp Genetics (formerly Invitae), Labcorp
Classification: Uncertain significance for Marfan syndrome; Familial thoracic aortic aneurysm and aortic dissection. Last evaluated: 2023-08-27. Review status: criteria provided, single submitter. Criteria: Invitae Variant Classification Sherloc (09022015). Collection method: clinical testing. Allele origin: germline.
Comment: Advanced modeling of protein sequence and biophysical properties (such as structural, functional, and spatial information, amino acid conservation, physicochemical variation, residue mobility, and thermodynamic stability) performed at Invitae indicates that this missense variant is expected to disrupt FBN1 protein function. In summary, the available evidence is currently insufficient to determine the role of this variant in disease. Therefore, it has been classified as a Variant of Uncertain Significance. This variant has not been reported in the literature in individuals affected with FBN1-related conditions. This sequence change replaces phenylalanine, which is neutral and non-polar, with valine, which is neutral and non-polar, at codon 2498 of the FBN1 protein (p.Phe2498Val). This variant is not present in population databases (gnomAD no frequency).